The following is an entry in ClinVar:

NM_001135649.3(FOXI3):c.354_371dup (p.Ala124_Gly125insSerProAlaAlaProAla)

Gene: FOXI3 (forkhead box I3; minus strand). Cytogenetic location: 2p11.2.
Variant type: Duplication.
Coding change: c.354_371dup on transcript NM_001135649.3 (MANE Select); coding-DNA positions 354 to 371, 18 bases duplicated (CTCGCCCGCCGCGCCCGC).
Protein change: p.Ala124_Gly125insSerProAlaAlaProAla.
Molecular consequence: inframe insertion.
Genome position (GRCh38, 1-based): chr2:88,452,165-88,452,182, GCGGGCGCGGCGGGCGAG duplicated on the plus strand (CTCGCCCGCCGCGCCCGC on the coding strand, the reverse complement: FOXI3 is on the minus strand); duplicating any 18 consecutive bases within chr2:88,452,165-88,452,198 gives the same sequence; the c. name uses the placement nearest the transcript's 3' end. VCF-style (leftmost placement, unchanged base first): chr2-88452164-C-CGCGGGCGCGGCGGGCGAG. GRCh37 (hg19) VCF-style: chr2-88751683-C-CGCGGGCGCGGCGGGCGAG.
Identifiers: ClinVar variation 2416430 (VCV002416430.6), dbSNP rs777673046, ClinGen allele CA894287103.

ClinVar aggregate classification (germline): Uncertain significance (1 of 4 stars; one submission).

Submission:

Labcorp Genetics (formerly Invitae), Labcorp
Classification: Uncertain significance. Last evaluated: 2025-05-18. Review status: criteria provided, single submitter. Criteria: Invitae Variant Classification Sherloc (09022015). Collection method: clinical testing. Allele origin: germline.
Comment: This variant, c.354_371dup, results in the insertion of 6 amino acid(s) of the FOXI3 protein (p.Ser119_Ala124dup), but otherwise preserves the integrity of the reading frame. This variant is not present in population databases (gnomAD no frequency). This variant has not been reported in the literature in individuals affected with FOXI3-related conditions. ClinVar contains an entry for this variant (Variation ID: 2416430). Experimental studies and prediction algorithms are not available or were not evaluated, and the functional significance of this variant is currently unknown. In summary, the available evidence is currently insufficient to determine the role of this variant in disease. Therefore, it has been classified as a Variant of Uncertain Significance.